The following is an entry in ClinVar:

NM_003824.4(FADD):c.304A>C (p.Asn102His)

Gene: FADD (Fas associated via death domain; plus strand). Cytogenetic location: 11q13.3.
Variant type: single nucleotide variant.
Coding change: c.304A>C on transcript NM_003824.4 (MANE Select); coding-DNA position 304, A replaced by C.
Protein change: p.Asn102His; replaces asparagine 102 with histidine.
Molecular consequence: missense variant.
Genome position (GRCh38, 1-based): chr11:70,206,150, A>C. VCF-style: chr11-70206150-A-C. GRCh37 (hg19) VCF-style: chr11-70052256-A-C.
Other names: short protein forms N102H.
Identifiers: ClinVar variation 1009010 (VCV001009010.9), dbSNP rs1437990933, ClinGen allele CA381665903.

ClinVar aggregate classification (germline): Uncertain significance (1 of 4 stars; one submission).

Conditions:
FADD-related immunodeficiency. Also called: Infections, recurrent, with encephalopathy, hepatic dysfunction, and cardiovascular malformations; FADD DEFICIENCY. Identifiers: Orphanet 306550, MedGen C3151062, MONDO:0013408, OMIM 613759.

Allele frequency attached by ClinVar (database versions not stated): gnomAD 0.00001.

Submission:

Labcorp Genetics (formerly Invitae), Labcorp
Classification: Uncertain significance for FADD-related immunodeficiency. Last evaluated: 2020-07-30. Review status: criteria provided, single submitter. Criteria: Invitae Variant Classification Sherloc (09022015). Collection method: clinical testing. Allele origin: germline.
Comment: In summary, the available evidence is currently insufficient to determine the role of this variant in disease. Therefore, it has been classified as a Variant of Uncertain Significance. Algorithms developed to predict the effect of missense changes on protein structure and function are either unavailable or do not agree on the potential impact of this missense change (SIFT: "Deleterious"; PolyPhen-2: "Possibly Damaging"; Align-GVGD: "Class C0"). This variant has not been reported in the literature in individuals with FADD-related conditions. This variant is not present in population databases (ExAC no frequency). This sequence change replaces asparagine with histidine at codon 102 of the FADD protein (p.Asn102His). The asparagine residue is weakly conserved and there is a small physicochemical difference between asparagine and histidine.